The following is an entry in ClinVar:

ClinVar aggregate classification (germline): Uncertain significance (1 of 4 stars; one submission).

Allele frequency attached by ClinVar (database versions not stated): TOPMed below 0.00001.

Submission:

CeGaT Center for Human Genetics Tuebingen
Classification: Uncertain significance. Last evaluated: 2023-10-01. Review status: criteria provided, single submitter. Criteria: CeGaT Center For Human Genetics Tuebingen Variant Classification Criteria Version 2. Collection method: clinical testing. Allele origin: germline. Affected: yes. Observed: 1 variant allele.
Comment: KRT1: PM2, BP4

NM_006121.4(KRT1):c.20C>T (p.Ser7Phe)

Gene: KRT1 (keratin 1; minus strand). Cytogenetic location: 12q13.13.
Variant type: single nucleotide variant.
Coding change: c.20C>T on transcript NM_006121.4 (MANE Select); coding-DNA position 20, C replaced by T.
Protein change: p.Ser7Phe; replaces serine 7 with phenylalanine.
Molecular consequence: missense variant.
Genome position (GRCh38, 1-based): chr12:52,680,329, G>A on the plus strand (C>T on the coding strand, the complement: KRT1 is on the minus strand). VCF-style: chr12-52680329-G-A. GRCh37 (hg19) VCF-style: chr12-53074113-G-A.
Other names: short protein forms S7F.
Identifiers: ClinVar variation 2643033 (VCV002643033.24), dbSNP rs1941567848, ClinGen allele CA384977277.